The following is an entry in ClinVar:

ClinVar aggregate classification (germline): Uncertain significance (1 of 4 stars; one submission).

Conditions:
Imerslund-Grasbeck syndrome. Also called: ENTEROCYTE COBALAMIN MALABSORPTION; ENTEROCYTE INTRINSIC FACTOR RECEPTOR, DEFECT OF; PERNICIOUS ANEMIA, JUVENILE, DUE TO SELECTIVE INTESTINAL MALABSORPTION OF VITAMIN B12, WITH PROTEINURIA; Imerslund-Gräsbeck syndrome; Megaloblastic anemia due to inborn errors of metabolism. Identifiers: Orphanet 35858, MedGen C4551825, MONDO:0009853.

gnomAD v4.1: 1 of 1,607,428 alleles (0.000062%); no homozygotes.

Submission:

Labcorp Genetics (formerly Invitae), Labcorp
Classification: Uncertain significance for Imerslund-Grasbeck syndrome. Last evaluated: 2021-11-16. Review status: criteria provided, single submitter. Criteria: Invitae Variant Classification Sherloc (09022015). Collection method: clinical testing. Allele origin: germline.
Comment: In summary, the available evidence is currently insufficient to determine the role of this variant in disease. Therefore, it has been classified as a Variant of Uncertain Significance. Variants that disrupt the consensus splice site are a relatively common cause of aberrant splicing (PMID: 17576681, 9536098). Algorithms developed to predict the effect of sequence changes on RNA splicing suggest that this variant is not likely to affect RNA splicing. This variant has not been reported in the literature in individuals affected with CUBN-related conditions. This variant is not present in population databases (gnomAD no frequency). This sequence change falls in intron 5 of the CUBN gene. It does not directly change the encoded amino acid sequence of the CUBN protein. It affects a nucleotide within the consensus splice site.

Literature cited by the submitters: PubMed 17576681; PubMed 9536098.

NM_001081.4(CUBN):c.489+3G>A

Gene: CUBN (cubilin; minus strand). Cytogenetic location: 10p13.
Variant type: single nucleotide variant.
Coding change: c.489+3G>A on transcript NM_001081.4 (MANE Select); 3 bases into the intron after coding-DNA position 489, G replaced by A.
Molecular consequence: intron variant.
Genome position (GRCh38, 1-based): chr10:17,123,585, C>T on the plus strand (G>A on the coding strand, the complement: CUBN is on the minus strand). VCF-style: chr10-17123585-C-T. GRCh37 (hg19) VCF-style: chr10-17165584-C-T.
Identifiers: ClinVar variation 1461962 (VCV001461962.6), dbSNP rs555885592, ClinGen allele CA2573144977.